The following is an entry in ClinVar:

ClinVar aggregate classification (germline): Pathogenic (1 of 4 stars; one submission).

Submission:

Labcorp Genetics (formerly Invitae), Labcorp
Classification: Pathogenic. Last evaluated: 2022-08-08. Review status: criteria provided, single submitter. Criteria: Invitae Variant Classification Sherloc (09022015). Collection method: clinical testing. Allele origin: germline.
Comment: For these reasons, this variant has been classified as Pathogenic. This sequence change creates a premature translational stop signal (p.Arg439Glyfs*8) in the RASGRP1 gene. It is expected to result in an absent or disrupted protein product. Loss-of-function variants in RASGRP1 are known to be pathogenic (PMID: 11017103, 27776107, 28822832). This variant is not present in population databases (gnomAD no frequency). This variant has not been reported in the literature in individuals affected with RASGRP1-related conditions.

Literature cited by the submitters: PubMed 11017103; PubMed 27776107; PubMed 28822832.

NM_005739.4(RASGRP1):c.1307_1314dup (p.Arg439fs)

Gene: RASGRP1 (RAS guanyl releasing protein 1; minus strand). Cytogenetic location: 15q14.
Variant type: Duplication.
Coding change: c.1307_1314dup on transcript NM_005739.4 (MANE Select); coding-DNA positions 1307 to 1314, 8 bases duplicated (GGAACCAC; older notation c.1307_1314dupGGAACCAC).
Protein change: p.Arg439fs; shifts the reading frame from arginine 439.
Molecular consequence: frameshift variant.
Genome position (GRCh38, 1-based): chr15:38,505,849-38,505,856, GTGGTTCC duplicated on the plus strand (GGAACCAC on the coding strand, the reverse complement: RASGRP1 is on the minus strand). VCF-style (leftmost placement, unchanged base first): chr15-38505848-T-TGTGGTTCC. GRCh37 (hg19) VCF-style: chr15-38798049-T-TGTGGTTCC.
Other names: c.1307_1314dup, p.Arg439fs (NM_001128602.2, NM_001306086.2); short protein forms R439fs.
Identifiers: ClinVar variation 2022859 (VCV002022859.4), dbSNP rs2542878863, ClinGen allele CA2580089388.
Genomic context (GRCh38, chr15:38,505,848, plus strand): 5'-AGAAGCTTGTAAAGCACCTGTTACATGTGGAGTCTTAATATGAAAAACTCACTGGAGCTC[T>TGTGGTTCC]GTGGTTCCTTGGTTCCCGGGCATAGGAAAGCTCATAGATTTCATCCTCAGTGTAGTAAAG-3'